The following is an entry in ClinVar:

NM_001128840.3(CACNA1D):c.43_55del (p.Gln15fs)

Gene: CACNA1D (calcium voltage-gated channel subunit alpha1 D; plus strand). Cytogenetic location: 3p21.1.
Variant type: Deletion.
Coding change: c.43_55del on transcript NM_001128840.3 (MANE Select); coding-DNA positions 43 to 55, 13 bases deleted (CAGCAGCAAGCGG).
Protein change: p.Gln15fs; shifts the reading frame from glutamine 15.
Molecular consequence: frameshift variant.
Genome position (GRCh38, 1-based): chr3:53,495,209-53,495,221, CAGCAGCAAGCGG deleted; deleting any 13 consecutive bases within chr3:53,495,206-53,495,221 gives the same sequence; the c. name uses the placement nearest the transcript's 3' end. VCF-style (leftmost placement, unchanged base first): chr3-53495205-ACGGCAGCAGCAAG-A. GRCh37 (hg19) VCF-style: chr3-53529232-ACGGCAGCAGCAAG-A.
Other names: c.43_55del, p.Gln15fs (NM_000720.4, NM_001128839.3); short protein forms Q15fs.
Identifiers: ClinVar variation 4729882 (VCV004729882.1).

ClinVar aggregate classification (germline): Uncertain significance (1 of 4 stars; one submission).

Submission:

Labcorp Genetics (formerly Invitae), Labcorp
Classification: Uncertain significance. Last evaluated: 2025-10-26. Review status: criteria provided, single submitter. Criteria: Invitae Variant Classification Sherloc (09022015). Collection method: clinical testing. Allele origin: germline.
Comment: This sequence change creates a premature translational stop signal (p.Gln15Thrfs*51) in the CACNA1D gene. It is expected to result in an absent or disrupted protein product. However, the current clinical and genetic evidence is not sufficient to establish whether loss-of-function variants in CACNA1D cause disease. This variant is not present in population databases (gnomAD no frequency). This variant has not been reported in the literature in individuals affected with CACNA1D-related conditions. In summary, the available evidence is currently insufficient to determine the role of this variant in disease. Therefore, it has been classified as a Variant of Uncertain Significance.